The following is an entry in ClinVar:

ClinVar aggregate classification (germline): Uncertain significance (1 of 4 stars; one submission).

Conditions:
RASopathy. Also called: rasopathies; Noonan spectrum disorder. Identifiers: Orphanet 536391, MedGen C5555857, MONDO:0021060.

Allele frequency attached by ClinVar (database versions not stated): gnomAD exomes below 0.00001; TOPMed below 0.00001; gnomAD 0.00001.
gnomAD v4.1: 2 of 1,613,988 alleles (0.00012%); highest among the groups gnomAD compares: African/African-American, 0.0013%; no homozygotes.

Submission:

Labcorp Genetics (formerly Invitae), Labcorp
Classification: Uncertain significance for RASopathy. Last evaluated: 2025-06-30. Review status: criteria provided, single submitter. Criteria: Invitae Variant Classification Sherloc (09022015). Collection method: clinical testing. Allele origin: germline.
Comment: This sequence change replaces serine, which is neutral and polar, with cysteine, which is neutral and slightly polar, at codon 325 of the BRAF protein (p.Ser325Cys). This variant is not present in population databases (gnomAD no frequency). This variant has not been reported in the literature in individuals affected with BRAF-related conditions. ClinVar contains an entry for this variant (Variation ID: 1401032). Invitae Evidence Modeling of protein sequence and biophysical properties (such as structural, functional, and spatial information, amino acid conservation, physicochemical variation, residue mobility, and thermodynamic stability) indicates that this missense variant is not expected to disrupt BRAF protein function with a negative predictive value of 80%. In summary, the available evidence is currently insufficient to determine the role of this variant in disease. Therefore, it has been classified as a Variant of Uncertain Significance.

NM_004333.6(BRAF):c.974C>G (p.Ser325Cys)

Gene: BRAF (B-Raf proto-oncogene, serine/threonine kinase; minus strand). Cytogenetic location: 7q34.
Variant type: single nucleotide variant.
Coding change: c.974C>G on transcript NM_004333.6 (MANE Select); coding-DNA position 974, C replaced by G.
Protein change: p.Ser325Cys; replaces serine 325 with cysteine.
Molecular consequence: missense variant.
Genome position (GRCh38, 1-based): chr7:140,800,368, G>C on the plus strand (C>G on the coding strand, the complement: BRAF is on the minus strand). VCF-style: chr7-140800368-G-C. GRCh37 (hg19) VCF-style: chr7-140500168-G-C.
Other names: c.974C>G, p.Ser325Cys (NM_001354609.2, NM_001374244.1, NM_001374258.1 and 4 more transcripts); c.983C>G, p.Ser328Cys (NM_001378467.1); c.872C>G, p.Ser291Cys (NM_001378470.1); c.818C>G, p.Ser273Cys (NM_001378472.1, NM_001378473.1); c.710C>G, p.Ser237Cys (NM_001378475.1); short protein forms S237C, S291C, S325C, S273C, S328C.
Identifiers: ClinVar variation 1401032 (VCV001401032.8), dbSNP rs1238788540, ClinGen allele CA369590320.
Genomic context (GRCh38, chr7:140,800,368, plus strand): 5'-CAAAAGAAAGCGGTTCAAGTAGCATGTCGCCCAAGAGCAGAAGTCAAACCATACCCAATA[G>C]AGTCCGAGGCGGGTGCGGAAGGGGATGATCCAGATGTTAGGGCAGTCTCTGCTAAGGACG-3'
Protein context (NP_004324.2, residues 315-335): GSSPSAPASD[Ser325Cys]IGPQILTSPS